The following is an entry in ClinVar:

ClinVar aggregate classification (germline): Likely benign. Review status: criteria provided, multiple submitters, no conflicts (2 of 4 stars). 3 submissions from 3 submitters: Likely benign (3). Last evaluated 2025-06-30.

Conditions:
Inborn genetic diseases. Identifiers: MedGen C0950123, MeSH D030342.
Frasier syndrome. Identifiers: Orphanet 347, MedGen C0950122, MeSH D052159, MONDO:0007635, OMIM 136680.
Drash syndrome (DDS). Also called: NEPHROPATHY, WILMS TUMOR, AND GENITAL ANOMALIES; WILMS TUMOR AND PSEUDO- OR TRUE HERMAPHRODITISM. Identifiers: Orphanet 220, MedGen C0950121, MONDO:0008682, OMIM 194080.
Wilms tumor 1 (WT1). Also called: Wilms tumor, somatic. Identifiers: Orphanet 654, MedGen CN033288, MONDO:0008679, OMIM 194070.
11p partial monosomy syndrome (WAGR). Also called: WAGR syndrome; WAGR Complex; CHROMOSOME 11p13 DELETION SYNDROME; WAGR Spectrum Disorder. Identifiers: Orphanet 893, MedGen C0206115, MONDO:0008681, OMIM 194072.

Allele frequency attached by ClinVar (database versions not stated): gnomAD 0.00001; gnomAD exomes 0.00001.

Submissions (3):

Ambry Genetics
Classification: Likely benign for Inborn genetic diseases. Last evaluated: 2025-06-30. Review status: criteria provided, single submitter. Criteria: Ambry Variant Classification Scheme 2023. Collection method: clinical testing. Allele origin: germline.

Labcorp Genetics (formerly Invitae), Labcorp
Classification: Likely benign for Wilms tumor 1; Drash syndrome; 11p partial monosomy syndrome; Frasier syndrome. Last evaluated: 2025-04-07. Review status: criteria provided, single submitter. Criteria: Invitae Variant Classification Sherloc (09022015). Collection method: clinical testing. Allele origin: germline.

All of Us Research Program, National Institutes of Health
Classification: Likely benign for Wilms tumor 1. Last evaluated: 2023-10-27. Review status: criteria provided, single submitter. Criteria: ACMG Guidelines, 2015. Collection method: clinical testing. Allele origin: germline. Inheritance: Autosomal dominant inheritance. Observed: 2 variant alleles, 2 heterozygotes.
Comment: This study involves interpretation of variants in research participants for the purpose of population health screening. Participant phenotype was not available at the time of variant classification. Additional details can be found in publication PMID: 35346344, PMCID: PMC8962531

NM_024426.6(WT1):c.267C>T (p.Pro89=)

Genes: WT1 (WT1 transcription factor; minus strand), LOC107982234 (WT1/WT1-AS bi-directional promoter region; plus strand). Cytogenetic location: 11p13.
Variant type: single nucleotide variant.
Coding change: c.267C>T on transcript NM_024426.6 (MANE Select); coding-DNA position 267, C replaced by T.
Protein change: p.Pro89=; no amino-acid change (proline 89 retained).
Molecular consequence: synonymous variant. On other transcripts: non-coding transcript variant (1).
Genome position (GRCh38, 1-based): chr11:32,435,094, G>A on the plus strand (C>T on the coding strand, the complement: WT1 is on the minus strand). VCF-style: chr11-32435094-G-A. GRCh37 (hg19) VCF-style: chr11-32456640-G-A.
Other names: c.267C>T, p.Pro89= (NM_000378.6, NM_024424.5).
Identifiers: ClinVar variation 700917 (VCV000700917.13), dbSNP rs1172336462, ClinGen allele CA473773990.